The following is an entry in ClinVar:

NM_018979.4(WNK1):c.1286_1287inv (p.Ala429Val)

Gene: WNK1 (WNK lysine deficient protein kinase 1; plus strand). Cytogenetic location: 12p13.33.
Variant type: Inversion.
Coding change: c.1286_1287inv on transcript NM_018979.4 (MANE Select).
Protein change: p.Ala429Val; replaces alanine 429 with valine.
Molecular consequence: missense variant.
Genome position: GRCh38 VCF-style: chr12-830135-CA-TG. GRCh37 (hg19) VCF-style: chr12-939301-CA-TG.
Other names: c.1286_1287delinsTG (NM_213655.4); c.1286_1287inv, p.Ala429Val (NM_001184985.2, NM_014823.3, NM_213655.5); short protein forms A429V.
Identifiers: ClinVar variation 844467 (VCV000844467.8), ClinGen allele CA916083282.

ClinVar aggregate classification (germline): Uncertain significance (1 of 4 stars; one submission).

Conditions:
Pseudohypoaldosteronism type 2C (PHA2C). Also called: Pseudohypoaldosteronism Type IIC. Identifiers: Orphanet 757, Orphanet 88940, MedGen C1840391, MONDO:0013778, OMIM 614492.
Neuropathy, hereditary sensory and autonomic, type 2A (HSAN2A). Also called: MORVAN DISEASE; NEUROPATHY, CONGENITAL SENSORY; NEUROPATHY, HEREDITARY SENSORY RADICULAR, AUTOSOMAL RECESSIVE; NEUROPATHY, HEREDITARY SENSORY, TYPE IIA; NEUROPATHY, PROGRESSIVE SENSORY, OF CHILDREN; WNK1-Related HSAN2 (HSAN2A). Identifiers: Orphanet 970, MedGen C2752089, MONDO:0024309, OMIM 201300.

Submission:

Labcorp Genetics (formerly Invitae), Labcorp
Classification: Uncertain significance for Neuropathy, hereditary sensory and autonomic, type 2A; Pseudohypoaldosteronism type 2C. Last evaluated: 2019-05-07. Review status: criteria provided, single submitter. Criteria: Invitae Variant Classification Sherloc (09022015). Collection method: clinical testing. Allele origin: germline.
Comment: In summary, the available evidence is currently insufficient to determine the role of this variant in disease. Therefore, it has been classified as a Variant of Uncertain Significance. Algorithms developed to predict the effect of missense changes on protein structure and function are either unavailable or do not agree on the potential impact of this missense change (SIFT: "Deleterious"; PolyPhen-2: "Not Available"; Align-GVGD: "Class C0"). This variant has not been reported in the literature in individuals with WNK1-related conditions. This variant is not present in population databases (ExAC no frequency). This sequence change replaces alanine with valine at codon 429 of the WNK1 protein (p.Ala429Val). The alanine residue is highly conserved and there is a small physicochemical difference between alanine and valine.